The following is an entry in ClinVar:

NM_194248.3(OTOF):c.5655C>T (p.Arg1885=)

Gene: OTOF (otoferlin; minus strand). Cytogenetic location: 2p23.3.
Variant type: single nucleotide variant.
Coding change: c.5655C>T on transcript NM_194248.3 (MANE Select); coding-DNA position 5655, C replaced by T.
Protein change: p.Arg1885=; no amino-acid change (arginine 1885 retained).
Molecular consequence: synonymous variant.
Genome position (GRCh38, 1-based): chr2:26,460,909, G>A on the plus strand (C>T on the coding strand, the complement: OTOF is on the minus strand). VCF-style: chr2-26460909-G-A. GRCh37 (hg19) VCF-style: chr2-26683777-G-A.
Other names: p.Arg1885=; c.5655C>T, p.Arg1885= (NM_001287489.2); c.3354C>T, p.Arg1118= (NM_004802.4, NM_194323.3); c.3585C>T, p.Arg1195= (NM_194322.3).
Identifiers: ClinVar variation 21858 (VCV000021858.22), dbSNP rs45442103, ClinGen allele CA142942.

ClinVar aggregate classification (germline): Benign/Likely benign. Review status: criteria provided, multiple submitters, no conflicts (2 of 4 stars). 10 submissions from 10 submitters: Benign (7); Likely benign (2). 1 of the submissions does not count toward it. Last evaluated 2026-06-26.

Conditions:
Autosomal recessive nonsyndromic hearing loss 9. Also called: OTOF-Related Hearing Loss; Deafness, autosomal recessive 9; AUDITORY NEUROPATHY, AUTOSOMAL RECESSIVE, 1, TEMPERATURE-SENSITIVE; NEUROSENSORY NONSYNDROMIC RECESSIVE DEAFNESS 9. Identifiers: Orphanet 90636, MedGen C1832828, MONDO:0010986, OMIM 601071.

Allele frequency attached by ClinVar (database versions not stated): 1000 Genomes Project 0.02376; 1000 Genomes Project 30x 0.02530; gnomAD exomes 0.04578; TOPMed 0.04427; gnomAD 0.04640 and 0.04497; ESP Exome Variant Server 0.04467; ExAC 0.04472.
gnomAD v4.1: 89,041 of 1,614,042 alleles (5.5%); highest among the groups gnomAD compares: Non-Finnish European, 6.2%; 2,762 homozygotes.

Submissions (10):

Women's Health and Genetics/Laboratory Corporation of America, LabCorp
Classification: Benign. Last evaluated: 2026-06-26. Review status: criteria provided, single submitter. Criteria: LabCorp Variant Classification Summary - May 2015. Collection method: clinical testing. Allele origin: germline.

Labcorp Genetics (formerly Invitae), Labcorp
Classification: Benign. Last evaluated: 2026-02-04. Review status: criteria provided, single submitter. Criteria: Invitae Variant Classification Sherloc (09022015). Collection method: clinical testing. Allele origin: germline.

Mayo Clinic Laboratories, Mayo Clinic
Classification: Benign. Last evaluated: 2020-10-20. Review status: criteria provided, single submitter. Criteria: ACMG Guidelines, 2015. Collection method: clinical testing. Allele origin: germline. Observed: 33 variant alleles.

Athena Diagnostics
Classification: Benign. Last evaluated: 2018-08-10. Review status: criteria provided, single submitter. Criteria: Athena Diagnostics Criteria. Collection method: clinical testing. Allele origin: germline.

Illumina Laboratory Services, Illumina
Classification: Likely benign for Autosomal recessive nonsyndromic hearing loss 9. Last evaluated: 2018-01-13. Review status: criteria provided, single submitter. Criteria: ICSL Variant Classification Criteria 13 December 2019. Collection method: clinical testing. Allele origin: germline.
Comment: This variant was observed in the ICSL laboratory as part of a predisposition screen in an ostensibly healthy population. It had not been previously curated by ICSL or reported in the Human Gene Mutation Database (HGMD: prior to June 1st, 2018), and was therefore a candidate for classification through an automated scoring system. Utilizing variant allele frequency, disease prevalence and penetrance estimates, and inheritance mode, an automated score was calculated to assess if this variant is too frequent to cause the disease. Based on the score and internal cut-off values, a variant classified as likely benign is not then subjected to further curation. The score for this variant resulted in a classification of likely benign for this disease.

GeneDx
Classification: Benign. Last evaluated: 2017-05-09. Review status: criteria provided, single submitter. Criteria: GeneDx Variant Classification (06012015). Collection method: clinical testing. Allele origin: germline. Affected: yes.
Comment: This variant is considered likely benign or benign based on one or more of the following criteria: it is a conservative change, it occurs at a poorly conserved position in the protein, it is predicted to be benign by multiple in silico algorithms, and/or has population frequency not consistent with disease.

Laboratory for Molecular Medicine, Mass General Brigham Personalized Medicine
Classification: Benign. Last evaluated: 2007-03-15. Review status: criteria provided, single submitter. Criteria: LMM Criteria. Collection method: clinical testing. Allele origin: germline. Observed: 237 variant alleles.

Breakthrough Genomics
Classification: Likely benign. Review status: criteria provided, single submitter. Criteria: ACMG Guidelines, 2015. Collection method: not provided. Allele origin: germline. Inheritance: Autosomal recessive inheritance. Affected: yes.

PreventionGenetics, part of Exact Sciences
Classification: Benign. Review status: criteria provided, single submitter. Criteria: ACMG Guidelines, 2015. Collection method: clinical testing. Allele origin: germline.

GeneReviews
No classification provided. Condition: Autosomal recessive nonsyndromic hearing loss 9. Review status: no classification provided. Collection method: literature only. Allele origin: unknown. Not counted in ClinVar's aggregate classification.

Literature cited by the submitters: PubMed 20301429 (cited by GeneReviews); NCBI Bookshelf NBK1251 (cited by GeneReviews).